The following is an entry in ClinVar:

NM_000059.4(BRCA2):c.2507del (p.Pro836fs)

Gene: BRCA2 (BRCA2 DNA repair associated; plus strand). Cytogenetic location: 13q13.1.
Variant type: Deletion.
Coding change: c.2507del on transcript NM_000059.4 (MANE Select); coding-DNA position 2507, one base deleted (C; older notation c.2507delC).
Protein change: p.Pro836fs; shifts the reading frame from proline 836.
Molecular consequence: frameshift variant.
Genome position (GRCh38, 1-based): chr13:32,336,862, C deleted; the last of 2 consecutive C bases (chr13:32,336,861-32,336,862); deleting either gives the same sequence. VCF-style (leftmost placement, unchanged base first): chr13-32336860-AC-A. GRCh37 (hg19) VCF-style: chr13-32910997-AC-A.
Other names: c.2507del (NM_000059.3); c.2507delC, p.Pro836Leufs (NM_000059.3, NM_001406719.1, NM_001406720.1); short protein forms P836fs.
Identifiers: ClinVar variation 1792327 (VCV001792327.9), dbSNP rs2548524147, ClinGen allele CA2580087276.
Genomic context (GRCh38, chr13:32,336,860, plus strand): 5'-GGAAAAGAATCAAGATGTATGTGCTTTAAATGAAAATTATAAAAACGTTGAGCTGTTGCC[AC>A]CTGAAAAATACATGAGAGTAGCATCACCTTCAAGAAAGGTACAATTCAACCAAAACACAA-3'

ClinVar aggregate classification (germline): Pathogenic/Likely pathogenic. Review status: criteria provided, multiple submitters, no conflicts (2 of 4 stars). 4 submissions from 4 submitters: Pathogenic (3); Likely pathogenic (1). Last evaluated 2023-11-28.

Conditions:
Breast-ovarian cancer, familial, susceptibility to, 2 (BROVCA2). Also called: BRCA2 Hereditary Breast and Ovarian Cancer. Identifiers: Orphanet 145, MedGen C2675520, MONDO:0012933, OMIM 612555. Disease mechanism: loss of function.
Hereditary cancer-predisposing syndrome. Also called: Neoplastic Syndromes, Hereditary; Tumor predisposition; Hereditary neoplastic syndrome; Hereditary Cancer Syndrome. Identifiers: Orphanet 140162, MedGen C0027672, MeSH D009386, MONDO:0015356.
Hereditary breast ovarian cancer syndrome. Also called: Hereditary breast and ovarian cancer; Hereditary breast and ovarian cancer syndrome (HBOC); Breast and ovarian cancer; Hereditary breast and ovarian cancer syndrome; BRCA1- and BRCA2-Associated Hereditary Breast and Ovarian Cancer; Hereditary breast and/or ovarian cancer syndrome. Identifiers: Orphanet 145, MedGen C0677776, MeSH D061325, MONDO:0003582. Disease mechanism: loss of function.

Submissions (4):

Labcorp Genetics (formerly Invitae), Labcorp
Classification: Pathogenic for Hereditary breast ovarian cancer syndrome. Last evaluated: 2023-11-28. Review status: criteria provided, single submitter. Criteria: Invitae Variant Classification Sherloc (09022015). Collection method: clinical testing. Allele origin: germline.
Comment: This sequence change creates a premature translational stop signal (p.Pro836Leufs*5) in the BRCA2 gene. It is expected to result in an absent or disrupted protein product. Loss-of-function variants in BRCA2 are known to be pathogenic (PMID: 20104584). This variant is not present in population databases (gnomAD no frequency). This variant has not been reported in the literature in individuals affected with BRCA2-related conditions. ClinVar contains an entry for this variant (Variation ID: 1792327). For these reasons, this variant has been classified as Pathogenic.

Myriad Genetics, Inc.
Classification: Pathogenic for Breast-ovarian cancer, familial, susceptibility to, 2. Last evaluated: 2023-02-08. Review status: criteria provided, single submitter. Criteria: Myriad Autosomal Dominant, Autosomal Recessive and X-Linked Classification Criteria (2023). Collection method: clinical testing. Allele origin: unknown.
Comment: This variant is considered pathogenic. This variant creates a frameshift predicted to result in premature protein truncation.

Ambry Genetics
Classification: Pathogenic for Hereditary cancer-predisposing syndrome. Last evaluated: 2022-06-01. Review status: criteria provided, single submitter. Criteria: Ambry Variant Classification Scheme 2023. Collection method: clinical testing. Allele origin: germline.
Comment: The c.2507delC pathogenic mutation, located in coding exon 10 of the BRCA2 gene, results from a deletion of one nucleotide at nucleotide position 2507, causing a translational frameshift with a predicted alternate stop codon (p.P836Lfs*5). This variant is considered to be rare based on population cohorts in the Genome Aggregation Database (gnomAD). This alteration is expected to result in loss of function by premature protein truncation or nonsense-mediated mRNA decay. As such, this alteration is interpreted as a disease-causing mutation.

Revvity Omics, Revvity
Classification: Likely pathogenic. Last evaluated: 2022-03-23. Review status: criteria provided, single submitter. Criteria: ACMG Guidelines, 2015. Collection method: clinical testing. Allele origin: germline.

Literature cited by the submitters: PubMed 20104584 (cited by Labcorp Genetics (formerly Invitae), Labcorp).